The following is an entry in ClinVar:

NM_005677.4(COLQ):c.164C>T (p.Thr55Met)

Gene: COLQ (collagen like tail subunit of asymmetric acetylcholinesterase; minus strand). Cytogenetic location: 3p25.1.
Variant type: single nucleotide variant.
Coding change: c.164C>T on transcript NM_005677.4 (MANE Select); coding-DNA position 164, C replaced by T.
Protein change: p.Thr55Met; replaces threonine 55 with methionine.
Molecular consequence: missense variant.
Genome position (GRCh38, 1-based): chr3:15,489,580, G>A on the plus strand (C>T on the coding strand, the complement: COLQ is on the minus strand). VCF-style: chr3-15489580-G-A. GRCh37 (hg19) VCF-style: chr3-15531087-G-A.
Other names: c.134C>T, p.Thr45Met (NM_080538.2); c.164C>T, p.Thr55Met (NM_080539.4); short protein forms T55M, T45M.
Identifiers: ClinVar variation 536240 (VCV000536240.7), dbSNP rs774271810, ClinGen allele CA2276310.
Genomic context (GRCh38, chr3:15,489,580, plus strand): 5'-CTCACCGGACTTCGGCCACCTCTGAAGAATGGTGGTGGGAACAGTGGTGGTGGAGGAGGC[G>A]TCAGCAGGCAGCATGCTTTGTGGCCACCACGCTTCTTCTGATCCAGGCTGGGAAGGGCTG-3'
Protein context (NP_005668.2, residues 45-65): RGGHKACCLL[Thr55Met]PPPPPLFPPP

ClinVar aggregate classification (germline): Uncertain significance. Review status: criteria provided, multiple submitters, no conflicts (2 of 4 stars). 2 submissions from 2 submitters: Uncertain significance (2). Last evaluated 2025-03-28.

Conditions:
Congenital myasthenic syndrome 5. Identifiers: Orphanet 590, MedGen C1864233, MONDO:0011281, OMIM 603034.
Inborn genetic diseases. Identifiers: MedGen C0950123, MeSH D030342.

Allele frequency attached by ClinVar (database versions not stated): TOPMed 0.00002; gnomAD 0.00003 and 0.00004.
gnomAD v4.1: 47 of 1,614,078 alleles (0.0029%); highest among the groups gnomAD compares: Non-Finnish European, 0.0036%; no homozygotes.

Submissions (2):

Ambry Genetics
Classification: Uncertain significance for Inborn genetic diseases. Last evaluated: 2025-03-28. Review status: criteria provided, single submitter. Criteria: Ambry Variant Classification Scheme 2023. Collection method: clinical testing. Allele origin: germline.

Labcorp Genetics (formerly Invitae), Labcorp
Classification: Uncertain significance for Congenital myasthenic syndrome 5. Last evaluated: 2022-04-12. Review status: criteria provided, single submitter. Criteria: Invitae Variant Classification Sherloc (09022015). Collection method: clinical testing. Allele origin: germline.
Comment: This sequence change replaces threonine, which is neutral and polar, with methionine, which is neutral and non-polar, at codon 55 of the COLQ protein (p.Thr55Met). This variant is present in population databases (rs774271810, gnomAD 0.009%). This variant has not been reported in the literature in individuals affected with COLQ-related conditions. ClinVar contains an entry for this variant (Variation ID: 536240). Algorithms developed to predict the effect of missense changes on protein structure and function output the following: SIFT: "Tolerated"; PolyPhen-2: "Benign"; Align-GVGD: "Class C0". The methionine amino acid residue is found in multiple mammalian species, which suggests that this missense change does not adversely affect protein function. In summary, the available evidence is currently insufficient to determine the role of this variant in disease. Therefore, it has been classified as a Variant of Uncertain Significance.